The following is an entry in ClinVar:

ClinVar aggregate classification (germline): Uncertain significance (1 of 4 stars; one submission).

Submission:

GeneDx
Classification: Uncertain significance. Last evaluated: 2020-01-19. Review status: criteria provided, single submitter. Criteria: GeneDx Variant Classification Process June 2021. Collection method: clinical testing. Allele origin: germline. Affected: yes.
Comment: Not observed in large population cohorts (Lek et al., 2016); In silico analysis, which includes protein predictors and evolutionary conservation, supports that this variant does not alter protein structure/function; Has not been previously published as pathogenic or benign to our knowledge

NM_057175.5(NAA15):c.2215A>G (p.Asn739Asp)

Gene: NAA15 (N-alpha-acetyltransferase 15, NatA auxiliary subunit; plus strand). Cytogenetic location: 4q31.1.
Variant type: single nucleotide variant.
Coding change: c.2215A>G on transcript NM_057175.5 (MANE Select); coding-DNA position 2215, A replaced by G.
Protein change: p.Asn739Asp; replaces asparagine 739 with aspartic acid.
Molecular consequence: missense variant.
Genome position (GRCh38, 1-based): chr4:139,384,891, A>G. VCF-style: chr4-139384891-A-G. GRCh37 (hg19) VCF-style: chr4-140306045-A-G.
Other names: short protein forms N739D.
Identifiers: ClinVar variation 1311266 (VCV001311266.2), dbSNP rs2111006373, ClinGen allele CA358270587.
Genomic context (GRCh38, chr4:139,384,891, plus strand): 5'-GCAGTGTGTGAAAGTAAAGATTTATCTGATACAGTTAGAACAGTATTAAAACAAGAAATG[A>G]ATCGTCTTTTTGGAGCAACGAATCCAAAGAATTTTAATGAAACTTTTCTGAAAAGGAATT-3'
Protein context (NP_476516.1, residues 729-749): TVRTVLKQEM[Asn739Asp]RLFGATNPKN